The following is an entry in ClinVar:

NM_001174150.2(ARL13B):c.861C>A (p.Cys287Ter)

Gene: ARL13B (ARF like GTPase 13B; plus strand). Cytogenetic location: 3q11.2.
Variant type: single nucleotide variant.
Coding change: c.861C>A on transcript NM_001174150.2 (MANE Select); coding-DNA position 861, C replaced by A.
Protein change: p.Cys287Ter; replaces cysteine 287 with a stop codon.
Molecular consequence: nonsense. On other transcripts: non-coding transcript variant (2).
Genome position (GRCh38, 1-based): chr3:94,043,077, C>A. VCF-style: chr3-94043077-C-A. GRCh37 (hg19) VCF-style: chr3-93761921-C-A.
Other names: c.552C>A, p.Cys184Ter (NM_001174151.2); c.816C>A, p.Cys272Ter (NM_001321328.2); c.861C>A, p.Cys287Ter (NM_001410782.1, NM_182896.3); c.540C>A, p.Cys180Ter (NM_144996.4); short protein forms C287*, C184*, C180*, C272*.
Identifiers: ClinVar variation 3589671 (VCV003589671.2).

ClinVar aggregate classification (germline): Pathogenic/Likely pathogenic. Review status: criteria provided, multiple submitters, no conflicts (2 of 4 stars). 2 submissions from 2 submitters: Pathogenic (1); Likely pathogenic (1). Last evaluated 2025-03-22.

Conditions:
Joubert syndrome 8 (JBTS8). Identifiers: Orphanet 475, MedGen C2676771, MONDO:0012855, OMIM 612291.

gnomAD v4.1: 1 of 1,612,984 alleles (0.000062%); highest among the groups gnomAD compares: Non-Finnish European, 0.000085%; no homozygotes.

Submissions (2):

Labcorp Genetics (formerly Invitae), Labcorp
Classification: Pathogenic for Joubert syndrome 8. Last evaluated: 2025-03-22. Review status: criteria provided, single submitter. Criteria: Invitae Variant Classification Sherloc (09022015). Collection method: clinical testing. Allele origin: germline.
Comment: This sequence change creates a premature translational stop signal (p.Cys287*) in the ARL13B gene. It is expected to result in an absent or disrupted protein product. Loss-of-function variants in ARL13B are known to be pathogenic (PMID: 18674751). This variant is not present in population databases (gnomAD no frequency). This variant has not been reported in the literature in individuals affected with ARL13B-related conditions. ClinVar contains an entry for this variant (Variation ID: 3589671). For these reasons, this variant has been classified as Pathogenic.

Fulgent Genetics
Classification: Likely pathogenic for Joubert syndrome 8. Last evaluated: 2024-02-16. Review status: criteria provided, single submitter. Criteria: ACMG Guidelines, 2015. Collection method: clinical testing. Allele origin: germline.

Literature cited by the submitters: PubMed 18674751 (cited by Labcorp Genetics (formerly Invitae), Labcorp).